The following is an entry in ClinVar:

NM_015721.3(GEMIN4):c.974G>A (p.Arg325Gln)

Gene: GEMIN4 (gem nuclear organelle associated protein 4; minus strand). Cytogenetic location: 17p13.3.
Variant type: single nucleotide variant.
Coding change: c.974G>A on transcript NM_015721.3 (MANE Select); coding-DNA position 974, G replaced by A.
Protein change: p.Arg325Gln; replaces arginine 325 with glutamine.
Molecular consequence: missense variant.
Genome position (GRCh38, 1-based): chr17:747,069, C>T on the plus strand (G>A on the coding strand, the complement: GEMIN4 is on the minus strand). VCF-style: chr17-747069-C-T. GRCh37 (hg19) VCF-style: chr17-650309-C-T.
Other names: NC_000017.10:g.650309C>T; short protein forms R325Q.
Identifiers: ClinVar variation 3056127 (VCV003056127.8), dbSNP rs184312176, ClinGen allele CA8262755.

ClinVar aggregate classification (germline): Likely benign. Review status: criteria provided, single submitter (1 of 4 stars). 2 submissions from 2 submitters: Likely benign (1). 1 of the submissions does not count toward it. Last evaluated 2025-12-01.

Conditions:
GEMIN4-related disorder. Also called: GEMIN4-related condition.

Allele frequency attached by ClinVar (database versions not stated): ESP Exome Variant Server 0.00016; gnomAD exomes 0.00044; TOPMed 0.00098; gnomAD 0.00102; ExAC 0.00164; 1000 Genomes Project 30x 0.00547; 1000 Genomes Project 0.00599.

Submissions (6):

CeGaT Center for Human Genetics Tuebingen
Classification: Likely benign. Last evaluated: 2025-12-01. Review status: criteria provided, single submitter. Criteria: CeGaT Center For Human Genetics Tuebingen Variant Classification Criteria Version 2. Collection method: clinical testing. Allele origin: germline. Affected: yes. Observed: 1 variant allele.
Comment: GEMIN4: BP4, BS1

PreventionGenetics, part of Exact Sciences
Classification: Benign for GEMIN4-related condition. Last evaluated: 2019-08-09. Review status: no assertion criteria provided. Collection method: clinical testing. Allele origin: germline. Not counted in ClinVar's aggregate classification.
Comment: This variant is classified as benign based on ACMG/AMP sequence variant interpretation guidelines (Richards et al. 2015 PMID: 25741868, with internal and published modifications).

Dr. Peter K. Rogan Lab, Western University
No classification provided (evidence only). Condition: Colon adenocarcinoma. Review status: no classification provided. Collection method: in vitro. Allele origin: not applicable. Functional consequence: retained intron. Not counted in ClinVar's aggregate classification.

Dr. Peter K. Rogan Lab, Western University
No classification provided (evidence only). Condition: Malignant lymphoma, large B-cell, diffuse. Review status: no classification provided. Collection method: in vitro. Allele origin: not applicable. Functional consequence: retained intron. Not counted in ClinVar's aggregate classification.

Dr. Peter K. Rogan Lab, Western University
No classification provided (evidence only). Condition: Hepatocellular carcinoma. Review status: no classification provided. Collection method: in vitro. Allele origin: not applicable. Functional consequence: retained intron. Not counted in ClinVar's aggregate classification.

Dr. Peter K. Rogan Lab, Western University
No classification provided (evidence only). Condition: Malignant tumor of esophagus. Review status: no classification provided. Collection method: in vitro. Allele origin: not applicable. Functional consequence: retained intron. Not counted in ClinVar's aggregate classification.